The following is an entry in ClinVar:

ClinVar aggregate classification (germline): Uncertain significance. Review status: criteria provided, multiple submitters, no conflicts (2 of 4 stars). 2 submissions from 2 submitters: Uncertain significance (2). Last evaluated 2026-01-31.

Conditions:
Cardiovascular phenotype. Identifiers: MedGen CN230736.
Arrhythmogenic right ventricular dysplasia 8 (ARVD8). Also called: Arrhythmogenic Right Ventricular Dysplasia/Cardiomyopathy 8; ARRHYTHMOGENIC RIGHT VENTRICULAR DYSPLASIA, FAMILIAL, 8; ARRHYTHMOGENIC RIGHT VENTRICULAR CARDIOMYOPATHY 8. Identifiers: MedGen C1843896, MONDO:0011831, OMIM 607450.
Arrhythmogenic cardiomyopathy with wooly hair and keratoderma. Also called: Dilated cardiomyopathy with woolly hair and keratoderma; Carvajal syndrome; Arrhythmogenic cardiomyopathy with woolly hair and keratoderma; PALMOPLANTAR KERATODERMA WITH LEFT VENTRICULAR CARDIOMYOPATHY AND WOOLLY HAIR. Identifiers: Orphanet 65282, MedGen C1854063, MONDO:0011581, OMIM 605676.

Allele frequency attached by ClinVar (database versions not stated): TOPMed below 0.00001; ESP Exome Variant Server 0.00008.
gnomAD v4.1: 11 of 1,614,148 alleles (0.00068%); highest among the groups gnomAD compares: Non-Finnish European, 0.00085%; no homozygotes.

Submissions (2):

Labcorp Genetics (formerly Invitae), Labcorp
Classification: Uncertain significance for Arrhythmogenic cardiomyopathy with wooly hair and keratoderma; Arrhythmogenic right ventricular dysplasia 8. Last evaluated: 2026-01-31. Review status: criteria provided, single submitter. Criteria: Invitae Variant Classification Sherloc (09022015). Collection method: clinical testing. Allele origin: germline.
Comment: This sequence change replaces arginine, which is basic and polar, with glycine, which is neutral and non-polar, at codon 2548 of the DSP protein (p.Arg2548Gly). This variant is not present in population databases (gnomAD no frequency). This variant has not been reported in the literature in individuals affected with DSP-related conditions. ClinVar contains an entry for this variant (Variation ID: 2073816). An algorithm developed to predict the effect of missense changes on protein structure and function (PolyPhen-2) suggests that this variant is likely to be tolerated. In summary, the available evidence is currently insufficient to determine the role of this variant in disease. Therefore, it has been classified as a Variant of Uncertain Significance.

Ambry Genetics
Classification: Uncertain significance for Cardiovascular phenotype. Last evaluated: 2023-11-01. Review status: criteria provided, single submitter. Criteria: Ambry Variant Classification Scheme 2023. Collection method: clinical testing. Allele origin: germline.
Comment: The p.R2548G variant (also known as c.7642C>G), located in coding exon 24 of the DSP gene, results from a C to G substitution at nucleotide position 7642. The arginine at codon 2548 is replaced by glycine, an amino acid with dissimilar properties. This amino acid position is conserved. In addition, the in silico prediction for this alteration is inconclusive. Since supporting evidence is limited at this time, the clinical significance of this alteration remains unclear.

NM_004415.4(DSP):c.7642C>G (p.Arg2548Gly)

Gene: DSP (desmoplakin; plus strand). Cytogenetic location: 6p24.3.
Variant type: single nucleotide variant.
Coding change: c.7642C>G on transcript NM_004415.4 (MANE Select); coding-DNA position 7642, C replaced by G.
Protein change: p.Arg2548Gly; replaces arginine 2548 with glycine.
Molecular consequence: missense variant.
Genome position (GRCh38, 1-based): chr6:7,584,904, C>G. VCF-style: chr6-7584904-C-G. GRCh37 (hg19) VCF-style: chr6-7585137-C-G.
Other names: c.5845C>G, p.Arg1949Gly (NM_001008844.3); c.6313C>G, p.Arg2105Gly (NM_001319034.2); short protein forms R1949G, R2105G, R2548G.
Identifiers: ClinVar variation 2073816 (VCV002073816.4), dbSNP rs146296069, ClinGen allele CA133976314.